The following is an entry in ClinVar:

ClinVar aggregate classification (germline): Uncertain significance (1 of 4 stars; one submission).

Submission:

Women's Health and Genetics/Laboratory Corporation of America, LabCorp
Classification: Uncertain significance. Last evaluated: 2026-01-16. Review status: criteria provided, single submitter. Criteria: LabCorp Variant Classification Summary - May 2015. Collection method: clinical testing. Allele origin: germline.
Comment: Variant summary: ANK2 c.5090G>T (p.Ser1697Ile) results in a non-conservative amino acid change in the encoded protein sequence. Algorithms developed to predict the effect of missense changes on protein structure and function are either unavailable or do not agree on the potential impact of this missense change. The variant was absent in 249600 control chromosomes. The available data on variant occurrences in the general population are insufficient to allow any conclusion about variant significance. To our knowledge, no occurrence of c.5090G>T in individuals affected with ANK2-related conditions and no experimental evidence demonstrating its impact on protein function have been reported. No submitters have cited clinical-significance assessments for this variant to ClinVar. Based on the evidence outlined above, the variant was classified as uncertain significance.

NM_001148.6(ANK2):c.5090G>T (p.Ser1697Ile)

Gene: ANK2 (ankyrin 2; plus strand). Cytogenetic location: 4q26.
Variant type: single nucleotide variant.
Coding change: c.5090G>T on transcript NM_001148.6 (MANE Select); coding-DNA position 5090, G replaced by T.
Protein change: p.Ser1697Ile; replaces serine 1697 with isoleucine.
Molecular consequence: missense variant. On other transcripts: intron variant (68).
Genome position (GRCh38, 1-based): chr4:113,353,708, G>T. VCF-style: chr4-113353708-G-T. GRCh37 (hg19) VCF-style: chr4-114274864-G-T.
Other names: c.4856G>T, p.Ser1619Ile (NM_001386142.1); c.1490G>T, p.Ser497Ile (NM_001386166.1); c.5231G>T, p.Ser1744Ile (NM_001386174.1); c.5207G>T, p.Ser1736Ile (NM_001386175.1); c.4411+3459G>T (NM_001386186.2, NM_001386148.2); c.4213+3459G>T (NM_001354269.3); c.4291+3459G>T (NM_001386187.2); c.4252+3459G>T (NM_001386147.1); and 35 more; short protein forms S1619I, S1697I, S1736I, S1744I, S497I.
Identifiers: ClinVar variation 4689338 (VCV004689338.1).